The following is an entry in ClinVar:

NM_006828.4(ASCC3):c.5769_5770del (p.Cys1924fs)

Gene: ASCC3 (activating signal cointegrator 1 complex subunit 3; minus strand). Cytogenetic location: 6q16.3.
Variant type: Deletion.
Coding change: c.5769_5770del on transcript NM_006828.4 (MANE Select); coding-DNA positions 5769 to 5770, 2 bases deleted (AT; older notation c.5769_5770delAT).
Protein change: p.Cys1924fs; shifts the reading frame from cysteine 1924.
Molecular consequence: frameshift variant.
Genome position (GRCh38, 1-based): chr6:100,540,168-100,540,169, AT deleted on the plus strand (AT on the coding strand, the reverse complement: ASCC3 is on the minus strand); deleting any 2 consecutive bases within chr6:100,540,168-100,540,170 gives the same sequence; the c. name uses the placement nearest the transcript's 3' end. VCF-style (leftmost placement, unchanged base first): chr6-100540167-CAT-C. GRCh37 (hg19) VCF-style: chr6-100988043-CAT-C.
Other names: c.5769_5770delAT (NM_006828.4); short protein forms C1924fs.
Identifiers: ClinVar variation 3233652 (VCV003233652.2), dbSNP rs2482381132, ClinGen allele CA2825001451.
Genomic context (GRCh38, chr6:100,540,167, plus strand): 5'-AGAGGGCAGGAATGATGGGAGAAAACACACATAGGTATTAGAAATGACTTTCATACCTGA[CAT>C]ACTCTGAGAGCTTGGTCCAAGACTGTTTTGGTATCAGTGTCATAATCTGGGCAGGGTAGC-3'

ClinVar aggregate classification (germline): Pathogenic (1 of 4 stars; one submission).

Conditions:
Intellectual developmental disorder, autosomal recessive 81 (MRT81). Identifiers: MedGen C5882758, MONDO:0958204, OMIM 620700.

Submission:

Women's Health and Genetics/Laboratory Corporation of America, LabCorp
Classification: Pathogenic for Intellectual developmental disorder, autosomal recessive 81. Last evaluated: 2024-03-05. Review status: criteria provided, single submitter. Criteria: LabCorp Variant Classification Summary - May 2015. Collection method: clinical testing. Allele origin: germline.
Comment: Variant summary: ASCC3 c.5769_5770delAT (p.Cys1924SerfsX64) results in a premature termination codon, predicted to cause absence of the protein due to nonsense mediated decay, which is a commonly known mechanism for disease. The variant was absent in 251342 control chromosomes. To our knowledge, no occurrence of c.5769_5770delAT in individuals affected with Intellectual Developmental Disorder, Autosomal Recessive 81 and no experimental evidence demonstrating its impact on protein function have been reported. No submitters have cited clinical-significance assessments for this variant to ClinVar. Based on the evidence outlined above, the variant was classified as pathogenic.